The following is an entry in ClinVar:

NM_004415.4(DSP):c.2436G>A (p.Lys812=)

Gene: DSP (desmoplakin; plus strand). Cytogenetic location: 6p24.3.
Variant type: single nucleotide variant.
Coding change: c.2436G>A on transcript NM_004415.4 (MANE Select); coding-DNA position 2436, G replaced by A.
Protein change: p.Lys812=; no amino-acid change (lysine 812 retained).
Molecular consequence: synonymous variant.
Genome position (GRCh38, 1-based): chr6:7,574,795, G>A. VCF-style: chr6-7574795-G-A. GRCh37 (hg19) VCF-style: chr6-7575028-G-A.
Other names: c.2436G>A, p.Lys812= (NM_001008844.3, NM_001319034.2).
Identifiers: ClinVar variation 2940877 (VCV002940877.4), dbSNP rs2533906588, ClinGen allele CA448527510.

ClinVar aggregate classification (germline): Uncertain significance. Review status: criteria provided, multiple submitters, no conflicts (2 of 4 stars). 2 submissions from 2 submitters: Uncertain significance (2). Last evaluated 2025-12-03.

Conditions:
Cardiomyopathy, dilated, with wooly hair, keratoderma, and tooth agenesis. Also called: Erythrokeratodermia-cardiomyopathy syndrome; Cardiomyopathy, dilated, with woolly hair, keratoderma, and tooth agenesis. Identifiers: Orphanet 476096, Orphanet 65282, MedGen C4014393, MONDO:0014355, OMIM 615821.
Arrhythmogenic right ventricular dysplasia 8 (ARVD8). Also called: Arrhythmogenic Right Ventricular Dysplasia/Cardiomyopathy 8; ARRHYTHMOGENIC RIGHT VENTRICULAR DYSPLASIA, FAMILIAL, 8; ARRHYTHMOGENIC RIGHT VENTRICULAR CARDIOMYOPATHY 8. Identifiers: MedGen C1843896, MONDO:0011831, OMIM 607450.
Arrhythmogenic cardiomyopathy with wooly hair and keratoderma. Also called: PALMOPLANTAR KERATODERMA WITH LEFT VENTRICULAR CARDIOMYOPATHY AND WOOLLY HAIR; Carvajal syndrome; Dilated cardiomyopathy with woolly hair and keratoderma; Arrhythmogenic cardiomyopathy with woolly hair and keratoderma. Identifiers: Orphanet 65282, MedGen C1854063, MONDO:0011581, OMIM 605676.

Submissions (2):

Human Genetics Bochum, Ruhr University Bochum
Classification: Uncertain significance for Arrhythmogenic right ventricular dysplasia 8; Cardiomyopathy, dilated, with wooly hair, keratoderma, and tooth agenesis. Last evaluated: 2025-12-03. Review status: criteria provided, single submitter. Criteria: ACMG Guidelines, 2015. Collection method: clinical testing. Allele origin: germline. Affected: yes.
Comment: ACMG criteria used to clasify this variant: PP3_STR, PM2_SUP

Labcorp Genetics (formerly Invitae), Labcorp
Classification: Uncertain significance for Arrhythmogenic cardiomyopathy with wooly hair and keratoderma; Arrhythmogenic right ventricular dysplasia 8. Last evaluated: 2023-11-15. Review status: criteria provided, single submitter. Criteria: Invitae Variant Classification Sherloc (09022015). Collection method: clinical testing. Allele origin: germline.
Comment: This sequence change affects codon 812 of the DSP mRNA. It is a 'silent' change, meaning that it does not change the encoded amino acid sequence of the DSP protein. This variant also falls at the last nucleotide of exon 17, which is part of the consensus splice site for this exon. This variant is not present in population databases (gnomAD no frequency). This variant has not been reported in the literature in individuals affected with DSP-related conditions. Variants that disrupt the consensus splice site are a relatively common cause of aberrant splicing (PMID: 17576681, 9536098). Algorithms developed to predict the effect of sequence changes on RNA splicing suggest that this variant may disrupt the consensus splice site. In summary, the available evidence is currently insufficient to determine the role of this variant in disease. Therefore, it has been classified as a Variant of Uncertain Significance.

Literature cited by the submitters: PubMed 17576681 (cited by Labcorp Genetics (formerly Invitae), Labcorp); PubMed 9536098 (cited by Labcorp Genetics (formerly Invitae), Labcorp).